The following is an entry in ClinVar:

NM_020795.4(NLGN2):c.2342C>G (p.Pro781Arg)

Gene: NLGN2 (neuroligin 2; plus strand). Cytogenetic location: 17p13.1.
Variant type: single nucleotide variant.
Coding change: c.2342C>G on transcript NM_020795.4 (MANE Select); coding-DNA position 2342, C replaced by G.
Protein change: p.Pro781Arg; replaces proline 781 with arginine.
Molecular consequence: missense variant.
Genome position (GRCh38, 1-based): chr17:7,417,633, C>G. VCF-style: chr17-7417633-C-G. GRCh37 (hg19) VCF-style: chr17-7320952-C-G.
Other names: short protein forms P781R.
Identifiers: ClinVar variation 3369533 (VCV003369533.1).

ClinVar aggregate classification (germline): Uncertain significance (1 of 4 stars; one submission).

Submission:

GeneDx
Classification: Uncertain significance. Last evaluated: 2024-02-23. Review status: criteria provided, single submitter. Criteria: GeneDx Variant Classification Process June 2021. Collection method: clinical testing. Allele origin: germline. Affected: yes.
Comment: Not observed at significant frequency in large population cohorts (gnomAD); In silico analysis supports that this missense variant has a deleterious effect on protein structure/function; Has not been previously published as pathogenic or benign to our knowledge